The following is an entry in ClinVar:

ClinVar aggregate classification (germline): Uncertain significance (1 of 4 stars; one submission).

Conditions:
Aortic aneurysm, familial thoracic 8 (AAT8). Identifiers: MedGen C3809513, MONDO:0014187, OMIM 615436.

Submission:

Labcorp Genetics (formerly Invitae), Labcorp
Classification: Uncertain significance for Aortic aneurysm, familial thoracic 8. Last evaluated: 2022-02-22. Review status: criteria provided, single submitter. Criteria: Invitae Variant Classification Sherloc (09022015). Collection method: clinical testing. Allele origin: germline.
Comment: In summary, the available evidence is currently insufficient to determine the role of this variant in disease. Therefore, it has been classified as a Variant of Uncertain Significance. Algorithms developed to predict the effect of missense changes on protein structure and function (SIFT, PolyPhen-2, Align-GVGD) all suggest that this variant is likely to be tolerated. This variant has not been reported in the literature in individuals affected with PRKG1-related conditions. This variant is not present in population databases (gnomAD no frequency). This sequence change replaces serine, which is neutral and polar, with arginine, which is basic and polar, at codon 102 of the PRKG1 protein (p.Ser102Arg).

NM_006258.4(PRKG1):c.306C>G (p.Ser102Arg)

Gene: PRKG1 (protein kinase cGMP-dependent 1; plus strand). Cytogenetic location: 10q11.23.
Variant type: single nucleotide variant.
Coding change: c.306C>G on transcript NM_006258.4 (MANE Select); coding-DNA position 306, C replaced by G.
Protein change: p.Ser102Arg; replaces serine 102 with arginine.
Molecular consequence: missense variant. On other transcripts: intron variant (1).
Genome position (GRCh38, 1-based): chr10:51,074,896, C>G. VCF-style: chr10-51074896-C-G. GRCh37 (hg19) VCF-style: chr10-52834656-C-G.
Other names: c.306C>G, p.Ser102Arg (NM_001374782.1); c.267-78268C>G (NM_001098512.3); short protein forms S102R.
Identifiers: ClinVar variation 2102196 (VCV002102196.4), dbSNP rs1262934487, ClinGen allele CA376827317.
Genomic context (GRCh38, chr10:51,074,896, plus strand): 5'-GCCCACCGCCTTCGACATCCAGGATCTCAGCCATGTGACCCTGCCCTTCTACCCCAAGAG[C>G]CCACAGTAAGCAGGGGTGACGCGCCGGGTCCATGTGGCGCCCTGGCGATGGGGAGCTGCG-3'
Protein context (NP_006249.1, residues 92-112): SHVTLPFYPK[Ser102Arg]PQSKDLIKEA